The following is an entry in ClinVar:

NM_001458.5(FLNC):c.7948G>A (p.Val2650Met)

Genes: FLNC (filamin C; plus strand), FLNC-AS1 (FLNC antisense RNA 1; minus strand). Cytogenetic location: 7q32.1.
Variant type: single nucleotide variant.
Coding change: c.7948G>A on transcript NM_001458.5 (MANE Select); coding-DNA position 7948, G replaced by A.
Protein change: p.Val2650Met; replaces valine 2650 with methionine.
Molecular consequence: missense variant.
Genome position (GRCh38, 1-based): chr7:128,858,175, G>A. VCF-style: chr7-128858175-G-A. GRCh37 (hg19) VCF-style: chr7-128498229-G-A.
Other names: c.7849G>A, p.Val2617Met (NM_001127487.2); short protein forms V2650M, V2617M.
Identifiers: ClinVar variation 575164 (VCV000575164.16), dbSNP rs372172779, ClinGen allele CA4476387.

ClinVar aggregate classification (germline): Conflicting classifications of pathogenicity. Review status: criteria provided, conflicting classifications (1 of 4 stars). 6 submissions from 6 submitters: Uncertain significance (4); Likely benign (2). Last evaluated 2025-08-06.

Conditions:
Myofibrillar myopathy 5. Also called: Filaminopathy (type); FILAMINOPATHY, AUTOSOMAL DOMINANT. Identifiers: Orphanet 171445, MedGen C1836050, MONDO:0012289, OMIM 609524.
Hypertrophic cardiomyopathy 26. Also called: Cardiomyopathy, familial hypertrophic, 26. Identifiers: Orphanet 75249, MedGen C4310749, MONDO:0014883, OMIM 617047.
Distal myopathy with posterior leg and anterior hand involvement. Also called: WILLIAMS DISTAL MYOPATHY. Identifiers: Orphanet 63273, MedGen C3279722, MONDO:0013550, OMIM 614065.
Cardiovascular phenotype. Identifiers: MedGen CN230736.

Allele frequency attached by ClinVar (database versions not stated): TOPMed 0.00001; gnomAD 0.00003 and 0.00004; gnomAD exomes 0.00005; ESP Exome Variant Server 0.00008; ExAC 0.00009; 1000 Genomes Project 30x 0.00031; 1000 Genomes Project 0.00060.
gnomAD v4.1: 35 of 1,563,640 alleles (0.0022%); highest among the groups gnomAD compares: African/African-American, 0.011%; no homozygotes.

Submissions (6):

Labcorp Genetics (formerly Invitae), Labcorp
Classification: Uncertain significance for Distal myopathy with posterior leg and anterior hand involvement; Myofibrillar myopathy 5; Hypertrophic cardiomyopathy 26. Last evaluated: 2025-08-06. Review status: criteria provided, single submitter. Criteria: Invitae Variant Classification Sherloc (09022015). Collection method: clinical testing. Allele origin: germline.
Comment: This sequence change replaces valine, which is neutral and non-polar, with methionine, which is neutral and non-polar, at codon 2650 of the FLNC protein (p.Val2650Met). This variant is present in population databases (rs372172779, gnomAD 0.02%). This missense change has been observed in individual(s) with clinical features of FLNC-related conditions (internal data). ClinVar contains an entry for this variant (Variation ID: 575164). Invitae Evidence Modeling of protein sequence and biophysical properties (such as structural, functional, and spatial information, amino acid conservation, physicochemical variation, residue mobility, and thermodynamic stability) indicates that this missense variant is not expected to disrupt FLNC protein function with a negative predictive value of 95%. In summary, the available evidence is currently insufficient to determine the role of this variant in disease. Therefore, it has been classified as a Variant of Uncertain Significance.

Women's Health and Genetics/Laboratory Corporation of America, LabCorp
Classification: Likely benign. Last evaluated: 2025-02-05. Review status: criteria provided, single submitter. Criteria: LabCorp Variant Classification Summary - May 2015. Collection method: clinical testing. Allele origin: germline.
Comment: Variant summary: FLNC c.7948G>A (p.Val2650Met) results in a conservative amino acid change in the encoded protein sequence. Three of five in-silico tools predict a benign effect of the variant on protein function. The variant allele was found at a frequency of 4.8e-05 in 230738 control chromosomes (gnomAD). The observed variant frequency is approximately 4 fold of the estimated maximal expected allele frequency for a pathogenic variant in FLNC causing Cardiomyopathy phenotype (1.1e-05). To our knowledge, no occurrence of c.7948G>A in individuals affected with Cardiomyopathy and no experimental evidence demonstrating its impact on protein function have been reported. ClinVar contains an entry for this variant (Variation ID: 575164). Based on the evidence outlined above, the variant was classified as likely benign.

Blueprint Genetics
Classification: Likely benign. Last evaluated: 2023-08-16. Review status: criteria provided, single submitter. Criteria: ACMG Guidelines, 2015. Collection method: clinical testing. Allele origin: germline.

Ambry Genetics
Classification: Uncertain significance for Cardiovascular phenotype. Last evaluated: 2022-10-21. Review status: criteria provided, single submitter. Criteria: Ambry Variant Classification Scheme 2023. Collection method: clinical testing. Allele origin: germline.
Comment: The p.V2650M variant (also known as c.7948G>A), located in coding exon 47 of the FLNC gene, results from a G to A substitution at nucleotide position 7948. The valine at codon 2650 is replaced by methionine, an amino acid with highly similar properties. This amino acid position is conserved. In addition, the in silico prediction for this alteration is inconclusive. Since supporting evidence is limited at this time, the clinical significance of this alteration remains unclear.

Revvity Omics, Revvity
Classification: Uncertain significance. Last evaluated: 2021-09-20. Review status: criteria provided, single submitter. Criteria: ACMG Guidelines, 2015. Collection method: clinical testing. Allele origin: germline.

Fulgent Genetics
Classification: Uncertain significance for Myofibrillar myopathy 5; Distal myopathy with posterior leg and anterior hand involvement; Hypertrophic cardiomyopathy 26. Last evaluated: 2021-09-06. Review status: criteria provided, single submitter. Criteria: ACMG Guidelines, 2015. Collection method: clinical testing. Allele origin: unknown.